The following is an entry in ClinVar:

NM_000553.6(WRN):c.191T>C (p.Phe64Ser)

Gene: WRN (WRN RecQ like helicase; plus strand). Cytogenetic location: 8p12.
Variant type: single nucleotide variant.
Coding change: c.191T>C on transcript NM_000553.6 (MANE Select); coding-DNA position 191, T replaced by C.
Protein change: p.Phe64Ser; replaces phenylalanine 64 with serine.
Molecular consequence: missense variant.
Genome position (GRCh38, 1-based): chr8:31,059,247, T>C. VCF-style: chr8-31059247-T-C. GRCh37 (hg19) VCF-style: chr8-30916763-T-C.
Other names: short protein forms F64S.
Identifiers: ClinVar variation 1446754 (VCV001446754.8), dbSNP rs2130005674, ClinGen allele CA370912689.
Genomic context (GRCh38, chr8:31,059,247, plus strand): 5'-TCCCCTTCTTAGAATTCACTGGATCCATTGTGTATAGTTACGATGCTAGTGATTGCTCTT[T>C]CCTGTCAGAAGATATTAGGTAAGTGATTTGAATTTCCTGATTTTATTTGAATTTGGACCC-3'
Protein context (NP_000544.2, residues 54-74): VYSYDASDCS[Phe64Ser]LSEDISMSLS

ClinVar aggregate classification (germline): Uncertain significance (1 of 4 stars; one submission).

Conditions:
Werner syndrome (WRN). Identifiers: Orphanet 902, MedGen C0043119, MONDO:0010196, OMIM 277700.

Allele frequency attached by ClinVar (database versions not stated): gnomAD exomes below 0.00001.
gnomAD v4.1: 3 of 1,613,528 alleles (0.00019%); highest among the groups gnomAD compares: East Asian, 0.0022%; no homozygotes.

Submission:

Labcorp Genetics (formerly Invitae), Labcorp
Classification: Uncertain significance for Werner syndrome. Last evaluated: 2022-09-01. Review status: criteria provided, single submitter. Criteria: Invitae Variant Classification Sherloc (09022015). Collection method: clinical testing. Allele origin: germline.
Comment: In summary, the available evidence is currently insufficient to determine the role of this variant in disease. Therefore, it has been classified as a Variant of Uncertain Significance. Algorithms developed to predict the effect of missense changes on protein structure and function are either unavailable or do not agree on the potential impact of this missense change (SIFT: "Not Available"; PolyPhen-2: "Probably Damaging"; Align-GVGD: "Not Available"). ClinVar contains an entry for this variant (Variation ID: 1446754). This variant has not been reported in the literature in individuals affected with WRN-related conditions. This variant is not present in population databases (gnomAD no frequency). This sequence change replaces phenylalanine, which is neutral and non-polar, with serine, which is neutral and polar, at codon 64 of the WRN protein (p.Phe64Ser).